The following is an entry in ClinVar:

NM_001378609.3(OTOGL):c.79G>T (p.Glu27Ter)

Gene: OTOGL (otogelin like; plus strand). Cytogenetic location: 12q21.31.
Variant type: single nucleotide variant.
Coding change: c.79G>T on transcript NM_001378609.3 (MANE Select); coding-DNA position 79, G replaced by T.
Protein change: p.Glu27Ter; replaces glutamic acid 27 with a stop codon.
Molecular consequence: nonsense.
Genome position (GRCh38, 1-based): chr12:80,209,510, G>T. VCF-style: chr12-80209510-G-T. GRCh37 (hg19) VCF-style: chr12-80603290-G-T.
Other names: c.79G>T, p.Glu27Ter (NM_001368062.3, NM_001378610.3, NM_173591.7); short protein forms E27*.
Identifiers: ClinVar variation 4681643 (VCV004681643.5).
Genomic context (GRCh38, chr12:80,209,510, plus strand): 5'-CTCAATTTAATGATACCTTGGAGTATATTCTTGCTTCATGTACTGCTGTTTTCATTACAA[G>T]GTAAGAACTCAGATTAAATTTTTATGTTAATTTATTGTATTTTTGTTTCTCTTACAATTT-3'

ClinVar aggregate classification (germline): Uncertain significance (1 of 4 stars; one submission).

gnomAD v4.1: 2 of 1,459,158 alleles (0.00014%); highest among the groups gnomAD compares: Non-Finnish European, 0.00018%; no homozygotes.

Submission:

CeGaT Center for Human Genetics Tuebingen
Classification: Uncertain significance. Last evaluated: 2025-12-01. Review status: criteria provided, single submitter. Criteria: CeGaT Center For Human Genetics Tuebingen Variant Classification Criteria Version 2. Collection method: clinical testing. Allele origin: germline. Affected: yes. Observed: 1 variant allele.
Comment: OTOGL: PM2, PVS1:Moderate